The following is an entry in ClinVar:

ClinVar aggregate classification (germline): Conflicting classifications of pathogenicity. Review status: criteria provided, conflicting classifications (1 of 4 stars). 2 submissions from 2 submitters: Uncertain significance (1); Likely benign (1). Last evaluated 2025-10-15.

Conditions:
Pancreatic adenocarcinoma. Identifiers: MedGen C0281361, MONDO:0006047, HP:0006725.

Allele frequency attached by ClinVar (database versions not stated): gnomAD 0.00023 and 0.00027; TOPMed 0.00026; 1000 Genomes Project 0.00040; 1000 Genomes Project 30x 0.00047.
gnomAD v4.1: 96 of 1,457,392 alleles (0.0066%); highest among the groups gnomAD compares: African/African-American, 0.088%; no homozygotes.

Submissions (2):

Ambry Genetics
Classification: Likely benign. Last evaluated: 2025-10-15. Review status: criteria provided, single submitter. Criteria: Ambry Variant Classification Scheme 2023. Collection method: clinical testing. Allele origin: germline.

Labcorp Genetics (formerly Invitae), Labcorp
Classification: Uncertain significance for Pancreatic adenocarcinoma. Last evaluated: 2025-05-19. Review status: criteria provided, single submitter. Criteria: Invitae Variant Classification Sherloc (09022015). Collection method: clinical testing. Allele origin: germline.
Comment: This sequence change replaces phenylalanine, which is neutral and non-polar, with leucine, which is neutral and non-polar, at codon 73 of the PALLD protein (p.Phe73Leu). This variant is present in population databases (rs532961259, gnomAD 0.08%), and has an allele count higher than expected for a pathogenic variant. This variant has not been reported in the literature in individuals affected with PALLD-related conditions. ClinVar contains an entry for this variant (Variation ID: 136003). An algorithm developed to predict the effect of missense changes on protein structure and function (PolyPhen-2) suggests that this variant is likely to be tolerated. In summary, the available evidence is currently insufficient to determine the role of this variant in disease. Therefore, it has been classified as a Variant of Uncertain Significance.

NM_001166108.2(PALLD):c.1965-12812C>A

Gene: PALLD (palladin, cytoskeletal associated protein; plus strand). Cytogenetic location: 4q32.3.
Variant type: single nucleotide variant.
Coding change: c.1965-12812C>A on transcript NM_001166108.2 (MANE Select); 12812 bases into the intron before coding-DNA position 1965, C replaced by A.
Molecular consequence: intron variant. On other transcripts: missense variant (1).
Genome position (GRCh38, 1-based): chr4:168,878,110, C>A. VCF-style: chr4-168878110-C-A. GRCh37 (hg19) VCF-style: chr4-169799261-C-A.
Other names: c.219C>A, p.Phe73Leu (NM_001166110.2); c.1965-12812C>A (NM_016081.4); c.819-12812C>A (NM_001166109.2); c.-157-12812C>A (NM_001367570.1, NM_001367568.1, NM_001367567.1 and 1 more transcripts); short protein forms F73L.
Identifiers: ClinVar variation 136003 (VCV000136003.13), dbSNP rs532961259, ClinGen allele CA332735.
Genomic context (GRCh38, chr4:168,878,110, plus strand): 5'-CATGTCCCCGACGCCGAGGCAGTTCGGCCGCGCCCCCGTGCCGCCCTTCGCGCAGCCCTT[C>A]GGCGCTGAGCCCGAGGCCCCGTGGGGCTCCTCCTCGCCGTCGCCCCCGCCCCCGCCACCC-3'